The following is an entry in ClinVar:

ClinVar aggregate classification (germline): Benign (3 of 4 stars; one submission).

Conditions:
Breast-ovarian cancer, familial, susceptibility to, 1 (BROVCA1). Also called: BRCA1 Hereditary Breast and Ovarian Cancer; OVARIAN CANCER, SUSCEPTIBILITY TO. Identifiers: Orphanet 145, MedGen C2676676, MONDO:0011450, OMIM 604370. Disease mechanism: loss of function.

Allele frequency attached by ClinVar (database versions not stated): gnomAD 0.00001; TOPMed 0.00024; 1000 Genomes Project 0.00799.
gnomAD v4.1: 1 of 127,082 alleles (0.00079%); highest among the groups gnomAD compares: Non-Finnish European, 0.0017%; no homozygotes.

Submission:

Evidence-based Network for the Interpretation of Germline Mutant Alleles (ENIGMA)
Classification: Benign for Breast-ovarian cancer, familial, susceptibility to, 1. Last evaluated: 2016-09-28. Review status: reviewed by expert panel. Criteria: ENIGMA BRCA1/2 Classification Criteria (2015). Collection method: curation. Allele origin: germline.
Comment: Class 1 not pathogenic based on frequency >1% in an outbred sampleset. Frequency 0.0121 (African), 0.0102 (South Asian), derived from 1000 genomes (2013-05-02).

NM_007294.4(BRCA1):c.5194-2381T>G

Gene: BRCA1 (BRCA1 DNA repair associated; minus strand). Cytogenetic location: 17q21.31.
Variant type: single nucleotide variant.
Coding change: c.5194-2381T>G on transcript NM_007294.4 (MANE Select); 2381 bases into the intron before coding-DNA position 5194, T replaced by G.
Molecular consequence: intron variant.
Genome position (GRCh38, 1-based): chr17:43,059,516, A>C on the plus strand (T>G on the coding strand, the complement: BRCA1 is on the minus strand). VCF-style: chr17-43059516-A-C. GRCh37 (hg19) VCF-style: chr17-41211533-A-C.
Other names: c.4981-2381T>G (NM_001407898.1, NM_001407894.1, NM_001407909.1 and 12 more transcripts); c.4984-2381T>G (NM_001407881.1, NM_001407887.1, NM_001407889.1 and 5 more transcripts); c.4927-2381T>G (NM_001407932.1, NM_001407928.1, NM_001407929.1 and 4 more transcripts); c.1741-2381T>G (NM_001408464.1, NM_001408467.1, NM_001408459.1 and 7 more transcripts); c.5050-2381T>G (NM_001407742.1, NM_001407945.1, NM_001407736.1 and 21 more transcripts); c.1621-2381T>G (NM_001408498.1, NM_001408501.1, NM_001408500.1 and 3 more transcripts); c.4930-2381T>G (NM_001407925.1, NM_001407921.1, NM_001407926.1 and 4 more transcripts); c.5053-2381T>G (NM_007297.4, NM_001407731.1, NM_001407695.1 and 13 more transcripts); and 72 more.
Identifiers: ClinVar variation 264816 (VCV000264816.2), dbSNP rs186594388, ClinGen allele CA10588196.